The following is an entry in ClinVar:

NM_032977.4(CASP10):c.52G>A (p.Val18Met)

Gene: CASP10 (caspase 10; plus strand). Cytogenetic location: 2q33.1.
Variant type: single nucleotide variant.
Coding change: c.52G>A on transcript NM_032977.4 (MANE Select); coding-DNA position 52, G replaced by A.
Protein change: p.Val18Met; replaces valine 18 with methionine.
Molecular consequence: missense variant.
Genome position (GRCh38, 1-based): chr2:201,185,829, G>A. VCF-style: chr2-201185829-G-A. GRCh37 (hg19) VCF-style: chr2-202050552-G-A.
Other names: c.52G>A, p.Val18Met (NM_001206524.2, NM_001206542.2, NM_001230.5 and 3 more transcripts); short protein forms V18M.
Identifiers: ClinVar variation 4784342 (VCV004784342.1).

ClinVar aggregate classification (germline): Uncertain significance (1 of 4 stars; one submission).

Conditions:
Autoimmune lymphoproliferative syndrome type 2A (ALPS2A). Also called: CASP10-Related Autoimmune Lymphoproliferative Syndrome; AUTOIMMUNE LYMPHOPROLIFERATIVE SYNDROME, TYPE IIA; Autoimmune lymphoproliferative syndrome type 2. Identifiers: Orphanet 3261, MedGen C1858968, MONDO:0011383, OMIM 603909.

gnomAD v4.1: 8 of 1,614,138 alleles (0.0005%); highest among the groups gnomAD compares: South Asian, 0.0088%; 1 homozygote.

Submission:

Labcorp Genetics (formerly Invitae), Labcorp
Classification: Uncertain significance for Autoimmune lymphoproliferative syndrome type 2A. Last evaluated: 2025-03-05. Review status: criteria provided, single submitter. Criteria: Invitae Variant Classification Sherloc (09022015). Collection method: clinical testing. Allele origin: germline.
Comment: This sequence change replaces valine, which is neutral and non-polar, with methionine, which is neutral and non-polar, at codon 18 of the CASP10 protein (p.Val18Met). This variant is present in population databases (rs757161113, gnomAD 0.006%). This variant has not been reported in the literature in individuals affected with CASP10-related conditions. An algorithm developed to predict the effect of missense changes on protein structure and function outputs the following: PolyPhen-2: "Benign". The methionine amino acid residue is found in multiple mammalian species, which suggests that this missense change does not adversely affect protein function. In summary, the available evidence is currently insufficient to determine the role of this variant in disease. Therefore, it has been classified as a Variant of Uncertain Significance.